The following is an entry in ClinVar:

NM_001378454.1(ALMS1):c.10385-239C>A

Gene: ALMS1 (ALMS1 centrosome and basal body associated protein; plus strand). Cytogenetic location: 2p13.1.
Variant type: single nucleotide variant.
Coding change: c.10385-239C>A on transcript NM_001378454.1 (MANE Select); 239 bases into the intron before coding-DNA position 10385, C replaced by A.
Molecular consequence: intron variant.
Genome position (GRCh38, 1-based): chr2:73,572,023, C>A. VCF-style: chr2-73572023-C-A. GRCh37 (hg19) VCF-style: chr2-73799150-C-A.
Other names: c.10385-239C>A (NM_015120.4); c.10388-239C>A (NM_015120.4).
Identifiers: ClinVar variation 677957 (VCV000677957.1), dbSNP rs6725385, ClinGen allele CA50385970.

ClinVar aggregate classification (germline): Benign (1 of 4 stars; one submission).

Allele frequency attached by ClinVar (database versions not stated): TOPMed 0.07238; 1000 Genomes Project 0.06729; 1000 Genomes Project 30x 0.07214.
gnomAD v4.1: 9,010 of 152,198 alleles (5.9%); highest among the groups gnomAD compares: African/African-American, 16%; 658 homozygotes.

Submission:

GeneDx
Classification: Benign. Last evaluated: 2018-06-14. Review status: criteria provided, single submitter. Criteria: GeneDx Variant Classification (06012015). Collection method: clinical testing. Allele origin: germline. Affected: yes.
Comment: This variant is considered likely benign or benign based on one or more of the following criteria: it is a conservative change, it occurs at a poorly conserved position in the protein, it is predicted to be benign by multiple in silico algorithms, and/or has population frequency not consistent with disease.